The following is an entry in ClinVar:

NM_001034853.2(RPGR):c.3458A>C (p.Ter1153Ser)

Gene: RPGR (retinitis pigmentosa GTPase regulator; minus strand). Cytogenetic location: Xp11.4.
Variant type: single nucleotide variant.
Coding change: c.3458A>C on transcript NM_001034853.2 (MANE Select); coding-DNA position 3458, A replaced by C.
Protein change: p.Ter1153Ser.
Molecular consequence: stop lost. On other transcripts: intron variant (8).
Genome position (GRCh38, 1-based): chrX:38,285,541, T>G on the plus strand (A>C on the coding strand, the complement: RPGR is on the minus strand). VCF-style: chrX-38285541-T-G. GRCh37 (hg19) VCF-style: chrX-38144794-T-G.
Other names: NM_001034853.2:c.3458A>C; c.1569+5418A>C (NM_001367249.1, NM_001367250.1); c.1902+1553A>C (NM_001367245.1); c.1386+5418A>C (NM_001367251.1); c.1719+1553A>C (NM_001367246.1); c.1572+5418A>C (NM_001367247.1); c.1905+1553A>C (NM_000328.3); c.1602+5418A>C (NM_001367248.1).
Identifiers: ClinVar variation 3900756 (VCV003900756.1).

ClinVar aggregate classification (germline): Likely pathogenic (3 of 4 stars; one submission).

Conditions:
RPGR-related retinopathy. Also called: RPGR retinopathy. Identifiers: MedGen CN305589, MONDO:0100437.

Submission:

ClinGen X-linked Inherited Retinal Disease Variant Curation Expert Panel, ClinGen
Classification: Likely pathogenic for RPGR-related retinopathy. Last evaluated: 2025-05-20. Review status: reviewed by expert panel. Criteria: ClinGen X LinkedIRD ACMG Specifications RPGR V1.0.0. Collection method: curation. Allele origin: germline. Inheritance: X-linked inheritance.
Comment: NM_001034853.2(RPGR):c.3458A>C (p.Ter1153Ser) is a stop-loss variant that disrupts the stop codon at the end of exon 15 and is predicted to result in extension of the RPGR C-terminus by 38 additional amino acids before the occurrence of the next stop codon (PM4_strong). This variant is absent from hemizygous individuals in gnomAD v4.1.0 (PM2_supporting). Another variant in the same codon, NM_001034853.2:c.3458A>C (p.Ter1153Serext*38), has previously been classified as likely pathogenic for RPGR-related retinopathy by the ClinGen X-linked IRD VCEP. Both variants are predicted to extend the C-terminus of RPGR by 38 residues in the same frame, however, they replace the start codon with serine and lysine, respectively (PM5_supporting). At least one proband harboring this variant has a diagnosis of cone dystrophy and exhibits the reduced scotopic and photopic electroretinogram responses required for inclusion in the PS4 code (PMID: 29555955), however, PS4_supporting requires at least 2 probands and therefore is not met. In summary, this variant is classified as likely pathogenic for RPGR-related retinopathy based on the ClinGen X-linked Inherited Retinal Disease Expert Panel Specifications to the ACMG/AMP Variant Interpretation Guidelines for RPGR Version 1.0.0; PM4_strong, PM5_supporting, and PM2_supporting. (date of approval 05/16/2025).